The following is an entry in ClinVar:

ClinVar aggregate classification (germline): Conflicting classifications of pathogenicity. Review status: criteria provided, conflicting classifications (1 of 4 stars). 4 submissions from 4 submitters: Uncertain significance (3); Likely benign (1). Last evaluated 2025-05-05.

Conditions:
Familial adenomatous polyposis 1 (FAP1). Also called: FAMILIAL ADENOMATOUS POLYPOSIS 1, ATTENUATED; POLYPOSIS, ADENOMATOUS INTESTINAL. Identifiers: MedGen C2713442, MONDO:0021056, OMIM 175100. Disease mechanism: loss of function.
Hereditary cancer-predisposing syndrome. Also called: Tumor predisposition; Hereditary neoplastic syndrome; Hereditary Cancer Syndrome; Neoplastic Syndromes, Hereditary. Identifiers: Orphanet 140162, MedGen C0027672, MeSH D009386, MONDO:0015356.
Classic or attenuated familial adenomatous polyposis. Identifiers: MedGen CN372698, MONDO:0021057.

Allele frequency attached by ClinVar (database versions not stated): ExAC 0.00001; gnomAD exomes 0.00001.
gnomAD v4.1: 17 of 1,614,118 alleles (0.0011%); highest among the groups gnomAD compares: South Asian, 0.019%; no homozygotes.

Submissions (4):

Labcorp Genetics (formerly Invitae), Labcorp
Classification: Uncertain significance for Familial adenomatous polyposis 1. Last evaluated: 2025-05-05. Review status: criteria provided, single submitter. Criteria: Invitae Variant Classification Sherloc (09022015). Collection method: clinical testing. Allele origin: germline.
Comment: This sequence change replaces glycine, which is neutral and non-polar, with arginine, which is basic and polar, at codon 1499 of the APC protein (p.Gly1499Arg). This variant is present in population databases (rs756912930, gnomAD 0.01%). This variant has not been reported in the literature in individuals affected with APC-related conditions. ClinVar contains an entry for this variant (Variation ID: 1171971). Invitae Evidence Modeling of protein sequence and biophysical properties (such as structural, functional, and spatial information, amino acid conservation, physicochemical variation, residue mobility, and thermodynamic stability) indicates that this missense variant is not expected to disrupt APC protein function with a negative predictive value of 95%. In summary, the available evidence is currently insufficient to determine the role of this variant in disease. Therefore, it has been classified as a Variant of Uncertain Significance.

Color Diagnostics, LLC DBA Color Health
Classification: Uncertain significance for Hereditary cancer-predisposing syndrome. Last evaluated: 2024-03-06. Review status: criteria provided, single submitter. Criteria: ACMG Guidelines, 2015. Collection method: clinical testing. Allele origin: germline.
Comment: This missense variant replaces glycine with arginine at codon 1499 of the APC protein. Computational prediction suggests that this variant may not impact protein structure and function (internally defined REVEL score threshold <= 0.5, PMID: 27666373). To our knowledge, functional studies have not been reported for this variant. This variant has not been reported in individuals affected with APC-related disorders in the literature. This variant has been identified in 3/250260 chromosomes in the general population by the Genome Aggregation Database (gnomAD). The available evidence is insufficient to determine the role of this variant in disease conclusively. Therefore, this variant is classified as a Variant of Uncertain Significance.

All of Us Research Program, National Institutes of Health
Classification: Uncertain significance for Classic or attenuated familial adenomatous polyposis. Last evaluated: 2023-12-18. Review status: criteria provided, single submitter. Criteria: ACMG Guidelines, 2015. Collection method: clinical testing. Allele origin: germline. Inheritance: Autosomal dominant inheritance. Observed: 1 variant allele, 1 heterozygote.
Comment: This missense variant replaces glycine with arginine at codon 1499 of the APC protein. Computational prediction is inconclusive regarding the impact of this variant on protein structure and function (internally defined REVEL score threshold 0.5 < inconclusive < 0.7, PMID: 27666373). To our knowledge, functional studies have not been reported for this variant. This variant has not been reported in individuals affected with hereditary cancer in the literature. This variant has been identified in 3/250260 chromosomes in the general population by the Genome Aggregation Database (gnomAD). The available evidence is insufficient to determine the role of this variant in disease conclusively. Therefore, this variant is classified as a Variant of Uncertain Significance.

This study involves interpretation of variants in research participants for the purpose of population health screening. Participant phenotype was not available at the time of variant classification. Additional details can be found in publication PMID: 35346344, PMCID: PMC8962531

Ambry Genetics
Classification: Likely benign for Hereditary cancer-predisposing syndrome. Last evaluated: 2023-09-11. Review status: criteria provided, single submitter. Criteria: Ambry Variant Classification Scheme 2023. Collection method: clinical testing. Allele origin: germline.

NM_000038.6(APC):c.4495G>C (p.Gly1499Arg)

Gene: APC (APC regulator of Wnt signaling pathway; plus strand). Cytogenetic location: 5q22.2.
Variant type: single nucleotide variant.
Coding change: c.4495G>C on transcript NM_000038.6 (MANE Select); coding-DNA position 4495, G replaced by C.
Protein change: p.Gly1499Arg; replaces glycine 1499 with arginine.
Molecular consequence: missense variant.
Genome position (GRCh38, 1-based): chr5:112,840,089, G>C. VCF-style: chr5-112840089-G-C. GRCh37 (hg19) VCF-style: chr5-112175786-G-C.
Other names: c.4495G>C, p.Gly1499Arg (NM_001127510.3, NM_001354895.2); c.4441G>C, p.Gly1481Arg (NM_001127511.3); c.4549G>C, p.Gly1517Arg (NM_001354896.2); c.4525G>C, p.Gly1509Arg (NM_001354897.2); c.4420G>C, p.Gly1474Arg (NM_001354898.2); c.4411G>C, p.Gly1471Arg (NM_001354899.2); c.4372G>C, p.Gly1458Arg (NM_001354900.2); c.4318G>C, p.Gly1440Arg (NM_001354901.2); and 5 more; short protein forms G1216R, G1339R, G1373R, G1398R, G1408R, G1440R, G1458R, G1471R.
Identifiers: ClinVar variation 1171971 (VCV001171971.10), dbSNP rs756912930, ClinGen allele CA039232.